The following is an entry in ClinVar:

ClinVar aggregate classification (germline): Conflicting classifications of pathogenicity. Review status: criteria provided, conflicting classifications (1 of 4 stars). 4 submissions from 4 submitters: Pathogenic (1); Likely pathogenic (1); Uncertain significance (2). Last evaluated 2025-09-22.

Conditions:
Hereditary cancer-predisposing syndrome. Also called: Tumor predisposition; Hereditary neoplastic syndrome; Neoplastic Syndromes, Hereditary; Hereditary Cancer Syndrome. Identifiers: Orphanet 140162, MedGen C0027672, MeSH D009386, MONDO:0015356.
Familial adenomatous polyposis 2. Also called: MUTYH Polyposis; COLORECTAL ADENOMATOUS POLYPOSIS, AUTOSOMAL RECESSIVE; ADENOMAS, MULTIPLE COLORECTAL, AUTOSOMAL RECESSIVE; MUTYH-associated polyposis; MUTYH-related attenuated familial adenomatous polyposis; Adenomas, multiple colorectal. Identifiers: Orphanet 220460, Orphanet 247798, MedGen C3272841, MONDO:0012041, OMIM 608456.

Submissions (4):

Labcorp Genetics (formerly Invitae), Labcorp
Classification: Uncertain significance for Familial adenomatous polyposis 2. Last evaluated: 2025-09-22. Review status: criteria provided, single submitter. Criteria: Invitae Variant Classification Sherloc (09022015). Collection method: clinical testing. Allele origin: germline.
Comment: This variant, c.562_576del, results in the deletion of 5 amino acid(s) of the MUTYH protein (p.Glu188_Lys192del), but otherwise preserves the integrity of the reading frame. This variant is present in population databases (rs766553845, gnomAD 0.0009%). This variant has not been reported in the literature in individuals affected with MUTYH-related conditions. This variant is also known as c.563_576+1del. ClinVar contains an entry for this variant (Variation ID: 533312). Experimental studies and prediction algorithms are not available or were not evaluated, and the functional significance of this variant is currently unknown. In summary, the available evidence is currently insufficient to determine the role of this variant in disease. Therefore, it has been classified as a Variant of Uncertain Significance.

Ambry Genetics
Classification: Likely pathogenic for Hereditary cancer-predisposing syndrome. Last evaluated: 2025-01-11. Review status: criteria provided, single submitter. Criteria: Ambry Variant Classification Scheme 2023. Collection method: clinical testing. Allele origin: germline.
Comment: The c.563_576+1del15 intronic variant, located between coding exon 7 and intron 7 of the MUTYH gene, results from a deletion of the last 14 nucleotides of coding exon 7 and the first nucleotide within intron 7 of the MUTYH gene. In silico splice site analysis predicts that this alteration will weaken the native splice donor site and will result in the creation or strengthening of a novel splice donor site. RNA studies have demonstrated that this alteration results in abnormal splicing in the set of samples tested (Ambry internal data). The resulting transcript is predicted to be in-frame and is not expected to trigger nonsense-mediated mRNA decay; however, the impacted region is critical for protein function (Ambry internal data). Based on the majority of available evidence to date, this variant is likely to be pathogenic.

Women's Health and Genetics/Laboratory Corporation of America, LabCorp
Classification: Uncertain significance. Last evaluated: 2018-08-01. Review status: criteria provided, single submitter. Criteria: LabCorp Variant Classification Summary - May 2015. Collection method: clinical testing. Allele origin: germline.
Comment: Variant summary: MUTYH c.563_576+1del involves the deletion of 15 nucleotides from exon 7 and intron 7, leading to an in-frame deletion of 5 amino acids (p.Glu188_Lys192del). 5/5 computational tools predict no significant impact on normal splicing. However, these predictions have yet to be confirmed by functional studies. The variant allele was found at a frequency of 4.1e-06 in 246264 control chromosomes (gnomAD). The available data on variant occurrences in the general population are insufficient to allow any conclusion about variant significance. To our knowledge, no occurrence of c.563_576+1del in individuals affected with MUTYH-associated Polyposis and no experimental evidence demonstrating its impact on protein function have been reported. A ClinVar submission from another clinical diagnostic laboratory (evaluation after 2014) cites the variant as "uncertain significance." Based on the evidence outlined above, the variant was classified as uncertain significance.

Laboratory for Molecular Medicine, Mass General Brigham Personalized Medicine
Classification: Pathogenic for Familial adenomatous polyposis 2. Last evaluated: 2016-10-20. Review status: criteria provided, single submitter. Criteria: ACMG Guidelines, 2015. Collection method: clinical testing. Allele origin: germline. Inheritance: Autosomal recessive inheritance.
Comment: The c.563_576+1del variant in MUTYH has not been previously reported in individuals with adenomatous polyposis, but has been identified in 1/66736 European chromosomes by the Exome Aggregation Consortium (ExAC; dbSNP rs766553845). However, this frequency is low enough to be consistent with the frequency of MUTYH-related attenuated familial adenomatous polyposis (FAP) in the general population. This variant is predicted to cause a frameshift, which alters the protein’s amino acid sequence beginning at position 188 and leads to a premature termination codon 60 amino acids downstream. This alteration is then predicted to lead to a truncated or absent protein. Homozygous loss of function of the MUTYH gene is an established disease mechanism in individuals with MUTYH-related attenuated FAP. In summary, this variant meets criteria to be classified as pathogenic for MUTYH-related attenuated FAP in an autosomal recessive manner.

NM_001048174.2(MUTYH):c.479_492+1del

Gene: MUTYH (mutY DNA glycosylase; minus strand). Cytogenetic location: 1p34.1.
Variant type: Deletion.
Coding change: c.479_492+1del on transcript NM_001048174.2 (MANE Select); coding-DNA position 479 through the canonical splice donor site of the intron after coding-DNA position 492, 15 bases deleted (AGGGAGCTCGGAAGG).
Molecular consequence: splice donor variant.
Genome position (GRCh38, 1-based): chr1:45,332,762-45,332,776, CCTTCCGAGCTCCCT deleted on the plus strand (AGGGAGCTCGGAAGG on the coding strand, the reverse complement: MUTYH is on the minus strand); deleting any 15 consecutive bases within chr1:45,332,762-45,332,779 gives the same sequence; the c. name uses the placement nearest the transcript's 3' end. VCF-style (leftmost placement, unchanged base first): chr1-45332761-ACCTTCCGAGCTCCCT-A. GRCh37 (hg19) VCF-style: chr1-45798433-ACCTTCCGAGCTCCCT-A.
Other names: c.563_576+1del15 (NM_001128425.1); c.134_147+1del (NM_001350651.2, NM_001350650.2); c.203_216+1del (NM_001293192.2, NM_001293196.2); c.479_492+1del (NM_001048171.2, NM_001048173.2, NM_001293195.2); c.524_537+1del (NM_001293190.2); c.554_567+1del (NM_012222.3); c.563_576+1del (NM_001128425.2); c.482_495+1del (NM_001048172.2); and 1 more.
Identifiers: ClinVar variation 533312 (VCV000533312.14), dbSNP rs766553845, ClinGen allele CA090954.